The following is an entry in ClinVar:

ClinVar aggregate classification (germline): Uncertain significance (1 of 4 stars; one submission).

Conditions:
Familial cold autoinflammatory syndrome 3 (FCAS3). Also called: FAMILIAL ATYPICAL COLD URTICARIA; ANTIBODY DEFICIENCY AND IMMUNE DYSREGULATION, PLCG2-ASSOCIATED. Identifiers: Orphanet 300359, MedGen C3280914, MONDO:0013766, OMIM 614468.

Allele frequency attached by ClinVar (database versions not stated): gnomAD exomes below 0.00001; TOPMed 0.00001; gnomAD 0.00001.
gnomAD v4.1: 4 of 1,613,914 alleles (0.00025%); highest among the groups gnomAD compares: Non-Finnish European, 0.00034%; no homozygotes.

Submission:

Labcorp Genetics (formerly Invitae), Labcorp
Classification: Uncertain significance for Familial cold autoinflammatory syndrome 3. Last evaluated: 2025-10-21. Review status: criteria provided, single submitter. Criteria: Invitae Variant Classification Sherloc (09022015). Collection method: clinical testing. Allele origin: germline.
Comment: This sequence change replaces isoleucine, which is neutral and non-polar, with valine, which is neutral and non-polar, at codon 903 of the PLCG2 protein (p.Ile903Val). This variant is present in population databases (no rsID available, gnomAD 0.002%). This variant has not been reported in the literature in individuals affected with PLCG2-related conditions. ClinVar contains an entry for this variant (Variation ID: 2991717). An algorithm developed to predict the effect of missense changes on protein structure and function (PolyPhen-2) suggests that this variant is likely to be tolerated. In summary, the available evidence is currently insufficient to determine the role of this variant in disease. Therefore, it has been classified as a Variant of Uncertain Significance.

NM_002661.5(PLCG2):c.2707A>G (p.Ile903Val)

Gene: PLCG2 (phospholipase C gamma 2; plus strand). Cytogenetic location: 16q23.3.
Variant type: single nucleotide variant.
Coding change: c.2707A>G on transcript NM_002661.5 (MANE Select); coding-DNA position 2707, A replaced by G.
Protein change: p.Ile903Val; replaces isoleucine 903 with valine.
Molecular consequence: missense variant.
Genome position (GRCh38, 1-based): chr16:81,931,622, A>G. VCF-style: chr16-81931622-A-G. GRCh37 (hg19) VCF-style: chr16-81965227-A-G.
Other names: c.2707A>G, p.Ile903Val (NM_001425749.1, NM_001425750.1, NM_001425751.1); short protein forms I903V.
Identifiers: ClinVar variation 2991717 (VCV002991717.3), dbSNP rs962919070, ClinGen allele CA285182739.